The following is an entry in ClinVar:

ClinVar aggregate classification (germline): Uncertain significance. Review status: criteria provided, multiple submitters, no conflicts (2 of 4 stars). 2 submissions from 2 submitters: Uncertain significance (2). Last evaluated 2022-03-12.

gnomAD v4.1: 2 of 1,614,118 alleles (0.00012%); highest among the groups gnomAD compares: Non-Finnish European, 0.00017%; no homozygotes.

Submissions (2):

Labcorp Genetics (formerly Invitae), Labcorp
Classification: Uncertain significance. Last evaluated: 2022-03-12. Review status: criteria provided, single submitter. Criteria: Invitae Variant Classification Sherloc (09022015). Collection method: clinical testing. Allele origin: germline.
Comment: This sequence change replaces lysine, which is basic and polar, with arginine, which is basic and polar, at codon 3349 of the USH2A protein (p.Lys3349Arg). This variant is not present in population databases (gnomAD no frequency). This variant has not been reported in the literature in individuals affected with USH2A-related conditions. Algorithms developed to predict the effect of missense changes on protein structure and function output the following: SIFT: "Tolerated"; PolyPhen-2: "Benign"; Align-GVGD: "Class C0". The arginine amino acid residue is found in multiple mammalian species, which suggests that this missense change does not adversely affect protein function. In summary, the available evidence is currently insufficient to determine the role of this variant in disease. Therefore, it has been classified as a Variant of Uncertain Significance.

Blueprint Genetics
Classification: Uncertain significance. Last evaluated: 2021-05-06. Review status: criteria provided, single submitter. Criteria: ACMG Guidelines, 2015. Collection method: clinical testing. Allele origin: germline.

NM_206933.4(USH2A):c.10046A>G (p.Lys3349Arg)

Gene: USH2A (usherin; minus strand). Cytogenetic location: 1q41.
Variant type: single nucleotide variant.
Coding change: c.10046A>G on transcript NM_206933.4 (MANE Select); coding-DNA position 10046, A replaced by G.
Protein change: p.Lys3349Arg; replaces lysine 3349 with arginine.
Molecular consequence: missense variant.
Genome position (GRCh38, 1-based): chr1:215,790,195, T>C on the plus strand (A>G on the coding strand, the complement: USH2A is on the minus strand). VCF-style: chr1-215790195-T-C. GRCh37 (hg19) VCF-style: chr1-215963537-T-C.
Other names: short protein forms K3349R.
Identifiers: ClinVar variation 1525050 (VCV001525050.6), dbSNP rs2102770016, ClinGen allele CA344844244.
Genomic context (GRCh38, chr1:215,790,195, plus strand): 5'-TTCTGGCTCTTTGGAATAAGTTCAGTCTCACAGCATTTTACTGGCACCGGGTCATTCTTT[T>C]TAATATGTGCTTTAGACTCTCCACTGGAAGCTGAGCAGCATATGGTATCTGACATATTCA-3'
Protein context (NP_996816.3, residues 3339-3359): ASSGESKAHI[Lys3349Arg]KNDPVPVKCC